The following is an entry in ClinVar:

ClinVar aggregate classification (germline): Conflicting classifications of pathogenicity. Review status: criteria provided, conflicting classifications (1 of 4 stars). 5 submissions from 5 submitters: Uncertain significance (4); Likely benign (1). Last evaluated 2024-12-03.

Conditions:
BNAR syndrome. Also called: Bifid Nose With or Without Anorectal and Renal Anomalies (BNAR) Syndrome. Identifiers: Orphanet 217266, MedGen C2750433, MONDO:0012165, OMIM 608980.
Oculotrichoanal syndrome (MOTA). Also called: MARLES SYNDROME; Manitoba Oculotrichoanal (MOTA) Syndrome. Identifiers: Orphanet 2717, MedGen C1855425, MONDO:0009560, OMIM 248450.
Trigonocephaly 2 (TRIGNO2). Identifiers: Orphanet 3366, MedGen C3280974, MONDO:0013774, OMIM 614485.
Inborn genetic diseases. Identifiers: MedGen C0950123, MeSH D030342.

Allele frequency attached by ClinVar (database versions not stated): TOPMed 0.00020; gnomAD exomes 0.00028; gnomAD 0.00018 and 0.00019; 1000 Genomes Project 0.00020; 1000 Genomes Project 30x 0.00016; ExAC 0.00023; ESP Exome Variant Server 0.00024.
gnomAD v4.1: 207 of 1,584,246 alleles (0.013%); highest among the groups gnomAD compares: Admixed American, 0.007%; no homozygotes.

Submissions (5):

Ambry Genetics
Classification: Uncertain significance for Inborn genetic diseases. Last evaluated: 2024-12-03. Review status: criteria provided, single submitter. Criteria: Ambry Variant Classification Scheme 2023. Collection method: clinical testing. Allele origin: germline.

Labcorp Genetics (formerly Invitae), Labcorp
Classification: Likely benign. Last evaluated: 2024-08-29. Review status: criteria provided, single submitter. Criteria: Invitae Variant Classification Sherloc (09022015). Collection method: clinical testing. Allele origin: germline.

Fulgent Genetics
Classification: Uncertain significance for Oculotrichoanal syndrome; BNAR syndrome; Trigonocephaly 2. Last evaluated: 2024-04-05. Review status: criteria provided, single submitter. Criteria: ACMG Guidelines, 2015. Collection method: clinical testing. Allele origin: germline.

GeneDx
Classification: Uncertain significance. Last evaluated: 2023-05-16. Review status: criteria provided, single submitter. Criteria: GeneDx Variant Classification Process June 2021. Collection method: clinical testing. Allele origin: germline. Affected: yes.
Comment: In silico analysis supports that this missense variant has a deleterious effect on protein structure/function; Has not been previously published as pathogenic or benign to our knowledge

Illumina Laboratory Services, Illumina
Classification: Uncertain significance for Oculotrichoanal syndrome. Last evaluated: 2018-01-12. Review status: criteria provided, single submitter. Criteria: ICSL Variant Classification Criteria 13 December 2019. Collection method: clinical testing. Allele origin: germline.

NM_001379081.2(FREM1):c.2896G>A (p.Gly966Ser)

Gene: FREM1 (FRAS1 related extracellular matrix 1; minus strand). Cytogenetic location: 9p22.3.
Variant type: single nucleotide variant.
Coding change: c.2896G>A on transcript NM_001379081.2 (MANE Select); coding-DNA position 2896, G replaced by A.
Protein change: p.Gly966Ser; replaces glycine 966 with serine.
Molecular consequence: missense variant. On other transcripts: non-coding transcript variant (2).
Genome position (GRCh38, 1-based): chr9:14,808,132, C>T on the plus strand (G>A on the coding strand, the complement: FREM1 is on the minus strand). VCF-style: chr9-14808132-C-T. GRCh37 (hg19) VCF-style: chr9-14808130-C-T.
Other names: c.2896G>A, p.Gly966Ser (NM_144966.7); short protein forms G966S.
Identifiers: ClinVar variation 912774 (VCV000912774.10), dbSNP rs373345277, ClinGen allele CA4990747.